The following is an entry in ClinVar:

ClinVar aggregate classification (germline): Likely benign (1 of 4 stars; one submission).

Conditions:
DYNC1H1-related disorder. Also called: DYNC1H1-related disorders; DYNC1H1-related condition. Identifiers: MedGen CN381529.

gnomAD v4.1: 9 of 1,614,058 alleles (0.00056%); highest among the groups gnomAD compares: African/African-American, 0.0013%; no homozygotes.

Submission:

PreventionGenetics, part of Exact Sciences
Classification: Likely benign for DYNC1H1-related condition. Last evaluated: 2025-05-29. Review status: criteria provided, single submitter. Criteria: ACMG Guidelines, 2015. Collection method: clinical testing. Allele origin: germline.
Comment: This variant is classified as likely benign based on ACMG/AMP sequence variant interpretation guidelines (Richards et al. 2015 PMID: 25741868, with internal and published modifications).

NM_001376.5(DYNC1H1):c.9414C>T (p.Ser3138=)

Genes: DYNC1H1 (dynein cytoplasmic 1 heavy chain 1; plus strand), LOC126862060 (BRD4-independent group 4 enhancer GRCh37_chr14:102493659-102494858; plus strand). Cytogenetic location: 14q32.31.
Variant type: single nucleotide variant.
Coding change: c.9414C>T on transcript NM_001376.5 (MANE Select); coding-DNA position 9414, C replaced by T.
Protein change: p.Ser3138=; no amino-acid change (serine 3138 retained).
Molecular consequence: synonymous variant.
Genome position (GRCh38, 1-based): chr14:102,028,087, C>T. VCF-style: chr14-102028087-C-T. GRCh37 (hg19) VCF-style: chr14-102494424-C-T.
Identifiers: ClinVar variation 4987516 (VCV004987516.1).